The following is an entry in ClinVar:

NM_001367479.1(DNAH14):c.2659A>G (p.Met887Val)

Gene: DNAH14 (dynein axonemal heavy chain 14; plus strand). Cytogenetic location: 1q42.12.
Variant type: single nucleotide variant.
Coding change: c.2659A>G on transcript NM_001367479.1 (MANE Select); coding-DNA position 2659, A replaced by G.
Protein change: p.Met887Val; replaces methionine 887 with valine.
Molecular consequence: missense variant.
Genome position (GRCh38, 1-based): chr1:225,079,441, A>G. VCF-style: chr1-225079441-A-G. GRCh37 (hg19) VCF-style: chr1-225267143-A-G.
Other names: short protein forms M887V.
Identifiers: ClinVar variation 4845474 (VCV004845474.1).
Genomic context (GRCh38, chr1:225,079,441, plus strand): 5'-GAAGAGCAAATTGCCATATTCCAAGTTCTTCTTCTTAAGTTTAGTCAACTAAAATCATCT[A>G]TGAAGTTAAGTAAAATAAATAAAGACACTGCTATAACTAAATTCAGAGATAACTTGGAAG-3'
Protein context (NP_001354408.1, residues 877-897): LLKFSQLKSS[Met887Val]KLSKINKDTA

ClinVar aggregate classification (germline): Uncertain significance (1 of 4 stars; one submission).

gnomAD v4.1: 6 of 1,548,228 alleles (0.00039%); highest among the groups gnomAD compares: South Asian, 0.0012%; no homozygotes.

Submission:

Greenwood Genetic Center Diagnostic Laboratories, Greenwood Genetic Center
Classification: Uncertain significance. Last evaluated: 2025-11-19. Review status: criteria provided, single submitter. Criteria: ACMG Guidelines, 2015. Collection method: clinical testing. Allele origin: germline. Affected: yes.
Comment: Gene of Uncertain Significance